The following is an entry in ClinVar:

NM_198576.4(AGRN):c.1333_1350dup (p.Gln450_Arg451insAlaGluCysArgGlnGln)

Gene: AGRN (agrin; plus strand). Cytogenetic location: 1p36.33.
Variant type: Duplication.
Coding change: c.1333_1350dup on transcript NM_198576.4 (MANE Select); coding-DNA positions 1333 to 1350, 18 bases duplicated (GCTGAGTGCCGGCAGCAG).
Protein change: p.Gln450_Arg451insAlaGluCysArgGlnGln.
Molecular consequence: inframe insertion.
Genome position (GRCh38, 1-based): chr1:1,042,111-1,042,128, GCTGAGTGCCGGCAGCAG duplicated; duplicating any 18 consecutive bases within chr1:1,042,102-1,042,128 gives the same sequence; the c. name uses the placement nearest the transcript's 3' end. VCF-style (leftmost placement, unchanged base first): chr1-1042101-G-GCGGCAGCAGGCTGAGTGC. GRCh37 (hg19) VCF-style: chr1-977481-G-GCGGCAGCAGGCTGAGTGC.
Other names: c.1333_1350dup, p.Gln450_Arg451insAlaGluCysArgGlnGln (NM_001305275.2); c.1018_1035dup, p.Gln345_Arg346insAlaGluCysArgGlnGln (NM_001364727.2).
Identifiers: ClinVar variation 2097710 (VCV002097710.4), dbSNP rs1557702495, ClinGen allele CA520625582.

ClinVar aggregate classification (germline): Uncertain significance (1 of 4 stars; one submission).

Conditions:
Congenital myasthenic syndrome 8. Also called: Myasthenic syndrome, congenital, 8, with pre- and postsynaptic defects; MYASTHENIC SYNDROME, CONGENITAL, DUE TO AGRIN DEFICIENCY. Identifiers: Orphanet 590, MedGen C3808739, MONDO:0014052, OMIM 615120.

Submission:

Labcorp Genetics (formerly Invitae), Labcorp
Classification: Uncertain significance for Congenital myasthenic syndrome 8. Last evaluated: 2022-03-04. Review status: criteria provided, single submitter. Criteria: Invitae Variant Classification Sherloc (09022015). Collection method: clinical testing. Allele origin: germline.
Comment: In summary, the available evidence is currently insufficient to determine the role of this variant in disease. Therefore, it has been classified as a Variant of Uncertain Significance. This variant has not been reported in the literature in individuals affected with AGRN-related conditions. This variant is present in population databases (no rsID available, gnomAD 0.0009%). This variant, c.1333_1350dup, results in the insertion of 6 amino acid(s) of the AGRN protein (p.Ala445_Gln450dup), but otherwise preserves the integrity of the reading frame.